The following is an entry in ClinVar:

NM_000179.3(MSH6):c.1498G>C (p.Ala500Pro)

Gene: MSH6 (mutS homolog 6; plus strand). Cytogenetic location: 2p16.3.
Variant type: single nucleotide variant.
Coding change: c.1498G>C on transcript NM_000179.3 (MANE Select); coding-DNA position 1498, G replaced by C.
Protein change: p.Ala500Pro; replaces alanine 500 with proline.
Molecular consequence: missense variant. On other transcripts: non-coding transcript variant (4), intron variant (1).
Genome position (GRCh38, 1-based): chr2:47,799,481, G>C. VCF-style: chr2-47799481-G-C. GRCh37 (hg19) VCF-style: chr2-48026620-G-C.
Other names: c.592G>C, p.Ala198Pro (NM_001406816.1, NM_001406823.1, NM_001281493.2 and 6 more transcripts); c.1498G>C, p.Ala500Pro (NM_001406817.1, NM_001406796.1, NM_001406798.1 and 4 more transcripts); c.1201G>C, p.Ala401Pro (NM_001406818.1, NM_001406819.1, NM_001406820.1 and 10 more transcripts); c.1108G>C, p.Ala370Pro (NM_001281492.2); c.1594G>C, p.Ala532Pro (NM_001406795.1, NM_001406802.1); c.973G>C, p.Ala325Pro (NM_001406799.1, NM_001406806.1, NM_001406807.1); c.1420G>C, p.Ala474Pro (NM_001406804.1); c.1504G>C, p.Ala502Pro (NM_001406813.1); and 2 more; short protein forms A198P, A325P, A370P, A401P, A444P, A474P, A500P, A502P.
Identifiers: ClinVar variation 4860406 (VCV004860406.1).

ClinVar aggregate classification (germline): Uncertain significance (1 of 4 stars; one submission).

Conditions:
Hereditary cancer-predisposing syndrome. Also called: Neoplastic Syndromes, Hereditary; Tumor predisposition; Hereditary Cancer Syndrome; Hereditary neoplastic syndrome. Identifiers: Orphanet 140162, MedGen C0027672, MeSH D009386, MONDO:0015356.

Submission:

Ambry Genetics
Classification: Uncertain significance for Hereditary cancer-predisposing syndrome. Last evaluated: 2026-05-06. Review status: criteria provided, single submitter. Criteria: Ambry Variant Classification Scheme 2023. Collection method: clinical testing. Allele origin: germline.
Comment: The p.A500P variant (also known as c.1498G>C), located in coding exon 4 of the MSH6 gene, results from a G to C substitution at nucleotide position 1498. The alanine at codon 500 is replaced by proline, an amino acid with highly similar properties. This amino acid position is well conserved in available vertebrate species. In addition, the in silico prediction for this alteration is inconclusive. Based on the available evidence, the clinical significance of this variant remains unclear.